The following is an entry in ClinVar:

NM_001005373.4(LRSAM1):c.1348-108C>A

Gene: LRSAM1 (leucine rich repeat and sterile alpha motif containing 1; plus strand). Cytogenetic location: 9q33.3.
Variant type: single nucleotide variant.
Coding change: c.1348-108C>A on transcript NM_001005373.4 (MANE Select); 108 bases into the intron before coding-DNA position 1348, C replaced by A.
Molecular consequence: intron variant.
Genome position (GRCh38, 1-based): chr9:127,489,336, C>A. VCF-style: chr9-127489336-C-A. GRCh37 (hg19) VCF-style: chr9-130251615-C-A.
Other names: c.1348-108C>A (NM_138361.5, NM_001384142.1, NM_001384143.1 and 2 more transcripts); c.559-108C>A (NM_001384144.1).
Identifiers: ClinVar variation 683126 (VCV000683126.2), dbSNP rs10987668, ClinGen allele CA13119168.

ClinVar aggregate classification (germline): Benign. Review status: criteria provided, multiple submitters, no conflicts (2 of 4 stars). 2 submissions from 2 submitters: Benign (2). Last evaluated 2018-06-14.

Allele frequency attached by ClinVar (database versions not stated): gnomAD exomes 0.17388; gnomAD 0.20070 and 0.20091; 1000 Genomes Project 0.21825; 1000 Genomes Project 30x 0.22220; TOPMed 0.22387.
gnomAD v4.1: 230,088 of 1,299,064 alleles (18%); highest among the groups gnomAD compares: Admixed American, 41%; 23,030 homozygotes.

Submissions (2):

GeneDx
Classification: Benign. Last evaluated: 2018-06-14. Review status: criteria provided, single submitter. Criteria: GeneDx Variant Classification (06012015). Collection method: clinical testing. Allele origin: germline. Affected: yes.
Comment: This variant is considered likely benign or benign based on one or more of the following criteria: it is a conservative change, it occurs at a poorly conserved position in the protein, it is predicted to be benign by multiple in silico algorithms, and/or has population frequency not consistent with disease.

Breakthrough Genomics
Classification: Benign. Review status: criteria provided, single submitter. Criteria: ACMG Guidelines, 2015. Collection method: not provided. Allele origin: germline. Inheritance: Autosomal dominant inheritance. Affected: yes.